The following is an entry in ClinVar:

ClinVar aggregate classification (germline): Uncertain significance. Review status: criteria provided, single submitter (1 of 4 stars). 2 submissions from 2 submitters: Uncertain significance (1). 1 of the submissions does not count toward it. Last evaluated 2024-10-29.

Conditions:
BBS9-related disorder. Also called: BBS9-related condition.
Bardet-Biedl syndrome (BBS). Identifiers: Orphanet 110, MedGen C0752166, MONDO:0015229.

Allele frequency attached by ClinVar (database versions not stated): gnomAD exomes 0.00001; ExAC 0.00002.
gnomAD v4.1: 8 of 1,613,444 alleles (0.0005%); highest among the groups gnomAD compares: Middle Eastern, 0.05%; 1 homozygote.

Submissions (2):

Labcorp Genetics (formerly Invitae), Labcorp
Classification: Uncertain significance for Bardet-Biedl syndrome. Last evaluated: 2024-10-29. Review status: criteria provided, single submitter. Criteria: Invitae Variant Classification Sherloc (09022015). Collection method: clinical testing. Allele origin: germline.
Comment: This sequence change replaces asparagine, which is neutral and polar, with serine, which is neutral and polar, at codon 137 of the BBS9 protein (p.Asn137Ser). This variant is present in population databases (rs752108930, gnomAD 0.003%). This variant has not been reported in the literature in individuals affected with BBS9-related conditions. ClinVar contains an entry for this variant (Variation ID: 963519). Invitae Evidence Modeling of protein sequence and biophysical properties (such as structural, functional, and spatial information, amino acid conservation, physicochemical variation, residue mobility, and thermodynamic stability) indicates that this missense variant is not expected to disrupt BBS9 protein function with a negative predictive value of 80%. In summary, the available evidence is currently insufficient to determine the role of this variant in disease. Therefore, it has been classified as a Variant of Uncertain Significance.

PreventionGenetics, part of Exact Sciences
Classification: Uncertain significance for BBS9-related condition. Last evaluated: 2024-08-12. Review status: no assertion criteria provided. Collection method: clinical testing. Allele origin: germline. Not counted in ClinVar's aggregate classification.
Comment: The BBS9 c.410A>G variant is predicted to result in the amino acid substitution p.Asn137Ser. To our knowledge, this variant has not been reported in the literature. This variant is reported in 0.0029% of alleles in individuals of Latino descent in gnomAD. At this time, the clinical significance of this variant is uncertain due to the absence of conclusive functional and genetic evidence.

NM_198428.3(BBS9):c.410A>G (p.Asn137Ser)

Gene: BBS9 (Bardet-Biedl syndrome 9; plus strand). Cytogenetic location: 7p14.3.
Variant type: single nucleotide variant.
Coding change: c.410A>G on transcript NM_198428.3 (MANE Select); coding-DNA position 410, A replaced by G.
Protein change: p.Asn137Ser; replaces asparagine 137 with serine.
Molecular consequence: missense variant. On other transcripts: non-coding transcript variant (3).
Genome position (GRCh38, 1-based): chr7:33,177,559, A>G. VCF-style: chr7-33177559-A-G. GRCh37 (hg19) VCF-style: chr7-33217171-A-G.
Other names: c.410A>G, p.Asn137Ser (NM_001033604.2, NM_001033605.2, NM_001348036.1 and 5 more transcripts); c.44A>G, p.Asn15Ser (NM_001348037.3, NM_001348044.3, NM_001348045.3 and 1 more transcripts); c.137A>G, p.Asn46Ser (NM_001348038.3, NM_001348039.3); c.275A>G, p.Asn92Ser (NM_001348042.3); short protein forms N15S, N46S, N137S, N92S.
Identifiers: ClinVar variation 963519 (VCV000963519.10), dbSNP rs752108930, ClinGen allele CA4213980.